The following is an entry in ClinVar:

NM_015512.5(DNAH1):c.269C>T (p.Pro90Leu)

Gene: DNAH1 (dynein axonemal heavy chain 1; plus strand). Cytogenetic location: 3p21.1.
Variant type: single nucleotide variant.
Coding change: c.269C>T on transcript NM_015512.5 (MANE Select); coding-DNA position 269, C replaced by T.
Protein change: p.Pro90Leu; replaces proline 90 with leucine.
Molecular consequence: missense variant.
Genome position (GRCh38, 1-based): chr3:52,322,711, C>T. VCF-style: chr3-52322711-C-T. GRCh37 (hg19) VCF-style: chr3-52356727-C-T.
Other names: short protein forms P90L.
Identifiers: ClinVar variation 544654 (VCV000544654.14), dbSNP rs202174386, ClinGen allele CA2432582.
Genomic context (GRCh38, chr3:52,322,711, plus strand): 5'-CACTCTCAGACTTGGGGCAGCCACGGAAGTCACCCCTGACAGGCACTGATAAGAAGTACC[C>T]GCTGATGAAGCAGCGTGGGTTCTACTCCGACATCCTCAGCCCTGGAACCTTAGATCAACT-3'
Protein context (NP_056327.4, residues 80-100): SPLTGTDKKY[Pro90Leu]LMKQRGFYSD

ClinVar aggregate classification (germline): Likely benign. Review status: criteria provided, multiple submitters, no conflicts (2 of 4 stars). 3 submissions from 3 submitters: Likely benign (3). Last evaluated 2026-01-25.

Conditions:
DNAH1-related disorder. Also called: DNAH1-related condition.
Spermatogenic failure 18. Identifiers: MedGen C4539783, MONDO:0054615, OMIM 617576.
Ciliary dyskinesia, primary, 37 (CILD37). Also called: CILIARY DYSKINESIA, PRIMARY, 37, WITH OR WITHOUT SITUS INVERSUS. Identifiers: MedGen C4539798, MONDO:0033204, OMIM 617577.

Allele frequency attached by ClinVar (database versions not stated): gnomAD exomes 0.00017; ExAC 0.00023; 1000 Genomes Project 30x 0.00031; 1000 Genomes Project 0.00040; ESP Exome Variant Server 0.00057; TOPMed 0.00063.
gnomAD v4.1: 197 of 1,613,506 alleles (0.012%); highest among the groups gnomAD compares: African/African-American, 0.17%; no homozygotes.

Submissions (3):

Labcorp Genetics (formerly Invitae), Labcorp
Classification: Likely benign for Ciliary dyskinesia, primary, 37; Spermatogenic failure 18. Last evaluated: 2026-01-25. Review status: criteria provided, single submitter. Criteria: Invitae Variant Classification Sherloc (09022015). Collection method: clinical testing. Allele origin: germline.

Blueprint Genetics
Classification: Likely benign. Last evaluated: 2024-11-14. Review status: criteria provided, single submitter. Criteria: ACMG Guidelines, 2015. Collection method: clinical testing. Allele origin: germline.

PreventionGenetics, part of Exact Sciences
Classification: Likely benign for DNAH1-related condition. Last evaluated: 2024-10-15. Review status: criteria provided, single submitter. Criteria: ACMG Guidelines, 2015. Collection method: clinical testing. Allele origin: germline.
Comment: This variant is classified as likely benign based on ACMG/AMP sequence variant interpretation guidelines (Richards et al. 2015 PMID: 25741868, with internal and published modifications).